The following is an entry in ClinVar:

NM_001292063.2(OTOG):c.5132C>G (p.Pro1711Arg)

Gene: OTOG (otogelin; plus strand). Cytogenetic location: 11p15.1.
Variant type: single nucleotide variant.
Coding change: c.5132C>G on transcript NM_001292063.2 (MANE Select); coding-DNA position 5132, C replaced by G.
Protein change: p.Pro1711Arg; replaces proline 1711 with arginine.
Molecular consequence: missense variant.
Genome position (GRCh38, 1-based): chr11:17,610,432, C>G. VCF-style: chr11-17610432-C-G. GRCh37 (hg19) VCF-style: chr11-17631979-C-G.
Other names: c.5168C>G (NM_001277269.1); c.5168C>G, p.Pro1723Arg (NM_001277269.2); short protein forms P1723R, P1711R.
Identifiers: ClinVar variation 1412802 (VCV001412802.8), dbSNP rs374434360, ClinGen allele CA218476082.

ClinVar aggregate classification (germline): Uncertain significance. Review status: criteria provided, multiple submitters, no conflicts (2 of 4 stars). 4 submissions from 4 submitters: Uncertain significance (4). Last evaluated 2026-05-21.

Conditions:
OTOG-related disorder. Also called: OTOG-related condition.

gnomAD v4.1: 76 of 1,550,468 alleles (0.0049%); highest among the groups gnomAD compares: East Asian, 0.027%; no homozygotes.

Submissions (4):

GeneDx
Classification: Uncertain significance. Last evaluated: 2026-05-21. Review status: criteria provided, single submitter. Criteria: GeneDx Variant Classification Process June 2021. Collection method: clinical testing. Allele origin: germline.
Comment: In silico analysis suggests that this missense variant does not alter protein structure/function; Has not been previously published as pathogenic or benign to our knowledge

PreventionGenetics, part of Exact Sciences
Classification: Uncertain significance for OTOG-related condition. Last evaluated: 2026-04-20. Review status: criteria provided, single submitter. Criteria: ACMG Guidelines, 2015. Collection method: clinical testing. Allele origin: germline.
Comment: The OTOG c.5168C>G variant is predicted to result in the amino acid substitution p.Pro1723Arg. To our knowledge, this variant has not been reported in the literature. This variant is reported in 0.024% of alleles in individuals of East Asian descent in gnomAD. At this time, the clinical significance of this variant is uncertain due to the absence of conclusive functional and genetic evidence.

Labcorp Genetics (formerly Invitae), Labcorp
Classification: Uncertain significance. Last evaluated: 2026-01-05. Review status: criteria provided, single submitter. Criteria: Invitae Variant Classification Sherloc (09022015). Collection method: clinical testing. Allele origin: germline.
Comment: This sequence change replaces proline, which is neutral and non-polar, with arginine, which is basic and polar, at codon 1723 of the OTOG protein (p.Pro1723Arg). This variant is present in population databases (rs374434360, gnomAD 0.03%). This variant has not been reported in the literature in individuals affected with OTOG-related conditions. ClinVar contains an entry for this variant (Variation ID: 1412802). An algorithm developed to predict the effect of missense changes on protein structure and function (PolyPhen-2) suggests that this variant is likely to be tolerated. In summary, the available evidence is currently insufficient to determine the role of this variant in disease. Therefore, it has been classified as a Variant of Uncertain Significance.

Blueprint Genetics
Classification: Uncertain significance. Last evaluated: 2024-10-23. Review status: criteria provided, single submitter. Criteria: ACMG Guidelines, 2015. Collection method: clinical testing. Allele origin: germline.